The following is an entry in ClinVar:

ClinVar aggregate classification (germline): Uncertain significance (1 of 4 stars; one submission).

Conditions:
Inborn genetic diseases. Identifiers: MedGen C0950123, MeSH D030342.

gnomAD v4.1: 3 of 1,614,156 alleles (0.00019%); highest among the groups gnomAD compares: Non-Finnish European, 0.00025%; no homozygotes.

Submission:

Ambry Genetics
Classification: Uncertain significance for Inborn genetic diseases. Last evaluated: 2025-11-05. Review status: criteria provided, single submitter. Criteria: Ambry Variant Classification Scheme 2023. Collection method: clinical testing. Allele origin: germline.
Comment: The p.S462R variant (also known as c.1386C>A), located in coding exon 12 of the ASXL1 gene, results from a C to A substitution at nucleotide position 1386. The serine at codon 462 is replaced by arginine, an amino acid with dissimilar properties. This amino acid position is conserved. In addition, this alteration is predicted to be tolerated by in silico analysis. Based on the available evidence, the clinical significance of this variant remains unclear.

NM_015338.6(ASXL1):c.1386C>A (p.Ser462Arg)

Gene: ASXL1 (ASXL transcriptional regulator 1; plus strand). Cytogenetic location: 20q11.21.
Variant type: single nucleotide variant.
Coding change: c.1386C>A on transcript NM_015338.6 (MANE Select); coding-DNA position 1386, C replaced by A.
Protein change: p.Ser462Arg; replaces serine 462 with arginine.
Molecular consequence: missense variant.
Genome position (GRCh38, 1-based): chr20:32,433,584, C>A. VCF-style: chr20-32433584-C-A. GRCh37 (hg19) VCF-style: chr20-31021387-C-A.
Other names: c.1203C>A, p.Ser401Arg (NM_001363734.1); short protein forms S401R, S462R.
Identifiers: ClinVar variation 4588443 (VCV004588443.1).